The following is an entry in ClinVar:

ClinVar aggregate classification (germline): Benign. Review status: criteria provided, multiple submitters, no conflicts (2 of 4 stars). 2 submissions from 2 submitters: Benign (2). Last evaluated 2016-03-29.

Allele frequency attached by ClinVar (database versions not stated): 1000 Genomes Project 0.78614; 1000 Genomes Project 30x 0.79638; gnomAD exomes 0.87064; TOPMed 0.88859; ESP Exome Variant Server 0.91721.
gnomAD v4.1: 1,406,621 of 1,613,928 alleles (87%); highest among the groups gnomAD compares: African/African-American, 96%; 617,078 homozygotes.

Submissions (2):

Laboratory for Molecular Medicine, Mass General Brigham Personalized Medicine
Classification: Benign. Last evaluated: 2016-03-29. Review status: criteria provided, single submitter. Criteria: LMM Criteria. Collection method: clinical testing. Allele origin: germline.
Comment: Variant identified in a genome or exome case(s) and assessed due to predicted null impact of the variant or pathogenic assertions in the literature or databases. Disclaimer: This variant has not undergone full assessment. The following are preliminary notes: Frequency

Breakthrough Genomics
Classification: Benign. Review status: criteria provided, single submitter. Criteria: ACMG Guidelines, 2015. Collection method: not provided. Allele origin: germline. Inheritance: Autosomal recessive inheritance. Affected: yes.

NM_001372106.1(DNAH10):c.5245T>G (p.Leu1749Val)

Gene: DNAH10 (dynein axonemal heavy chain 10; plus strand). Cytogenetic location: 12q24.31.
Variant type: single nucleotide variant.
Coding change: c.5245T>G on transcript NM_001372106.1 (MANE Select); coding-DNA position 5245, T replaced by G.
Protein change: p.Leu1749Val; replaces leucine 1749 with valine.
Molecular consequence: missense variant.
Genome position (GRCh38, 1-based): chr12:123,841,430, T>G. VCF-style: chr12-123841430-T-G. GRCh37 (hg19) VCF-style: chr12-124325977-T-G.
Other names: c.4891T>G, p.Leu1631Val (NM_207437.3); short protein forms L1631V, L1749V.
Identifiers: ClinVar variation 402615 (VCV000402615.5), dbSNP rs4930729, ClinGen allele CA6863801.
Genomic context (GRCh38, chr12:123,841,430, plus strand): 5'-GAAAAACTGGTGTCCGCGATGATTTCAGCAGAAGGAGAAGTCATGGAGTTTCGGAAGATC[T>G]TGCGGGCTGAAGGGCGCGTGGAGGACTGGATGACGGCAGTTTTGAATGAGATGAGAAGAA-3'
Protein context (NP_001359035.1, residues 1739-1759): EGEVMEFRKI[Leu1749Val]RAEGRVEDWM